The following is an entry in ClinVar:

ClinVar aggregate classification (germline): Uncertain significance. Review status: criteria provided, multiple submitters, no conflicts (2 of 4 stars). 3 submissions from 3 submitters: Uncertain significance (3). Last evaluated 2022-06-14.

Conditions:
Biotin-responsive basal ganglia disease (BTBGD). Also called: thiamine-responsive encephalopathy; Thiamine Transporter-2 Deficiency; Thiamine metabolism dysfunction syndrome 2 (biotin- or thiamine-responsive encephalopathy type 2); Thiamine metabolism dysfunction syndrome type 2; THIAMINE METABOLISM DYSFUNCTION SYNDROME 2 (BIOTIN- AND THIAMINE-RESPONSIVE TYPE). Identifiers: Orphanet 199348, Orphanet 65284, MedGen C1843807, MONDO:0011841, OMIM 607483.

Allele frequency attached by ClinVar (database versions not stated): gnomAD exomes 0.00001 and 0.00002; gnomAD 0.00002 and 0.00003; TOPMed 0.00003.
gnomAD v4.1: 36 of 1,614,094 alleles (0.0022%); highest among the groups gnomAD compares: Non-Finnish European, 0.0016%; no homozygotes.

Submissions (3):

Labcorp Genetics (formerly Invitae), Labcorp
Classification: Uncertain significance for Biotin-responsive basal ganglia disease. Last evaluated: 2022-06-14. Review status: criteria provided, single submitter. Criteria: Invitae Variant Classification Sherloc (09022015). Collection method: clinical testing. Allele origin: germline.
Comment: This sequence change replaces glycine, which is neutral and non-polar, with serine, which is neutral and polar, at codon 227 of the SLC19A3 protein (p.Gly227Ser). This variant is present in population databases (no rsID available, gnomAD 0.03%). This variant has not been reported in the literature in individuals affected with SLC19A3-related conditions. Advanced modeling of protein sequence and biophysical properties (such as structural, functional, and spatial information, amino acid conservation, physicochemical variation, residue mobility, and thermodynamic stability) performed at Invitae indicates that this missense variant is not expected to disrupt SLC19A3 protein function. In summary, the available evidence is currently insufficient to determine the role of this variant in disease. Therefore, it has been classified as a Variant of Uncertain Significance.

Department of Pathology and Laboratory Medicine, Sinai Health System
Classification: Uncertain significance for Biotin-responsive basal ganglia disease. Last evaluated: 2021-09-24. Review status: criteria provided, single submitter. Criteria: ACMG Guidelines, 2015. Collection method: research. Allele origin: germline.

Revvity Omics, Revvity
Classification: Uncertain significance for Biotin-responsive basal ganglia disease. Last evaluated: 2019-01-15. Review status: criteria provided, single submitter. Criteria: ACMG Guidelines, 2015. Collection method: clinical testing. Allele origin: germline.

NM_025243.4(SLC19A3):c.679G>A (p.Gly227Ser)

Gene: SLC19A3 (solute carrier family 19 member 3; minus strand). Cytogenetic location: 2q36.3.
Variant type: single nucleotide variant.
Coding change: c.679G>A on transcript NM_025243.4 (MANE Select); coding-DNA position 679, G replaced by A.
Protein change: p.Gly227Ser; replaces glycine 227 with serine.
Molecular consequence: missense variant.
Genome position (GRCh38, 1-based): chr2:227,699,036, C>T on the plus strand (G>A on the coding strand, the complement: SLC19A3 is on the minus strand). VCF-style: chr2-227699036-C-T. GRCh37 (hg19) VCF-style: chr2-228563752-C-T.
Other names: c.679G>A (NM_025243.3); c.679G>A, p.Gly227Ser (NM_001371411.1, NM_001371412.1); c.667G>A, p.Gly223Ser (NM_001371413.1, NM_001371414.1); short protein forms G223S, G227S.
Identifiers: ClinVar variation 1420122 (VCV001420122.6), dbSNP rs987409474, ClinGen allele CA66660296.